The following is an entry in ClinVar:

NM_001394062.1(MACF1):c.2706C>A (p.Ser902Arg)

Gene: MACF1 (microtubule actin crosslinking factor 1; plus strand). Cytogenetic location: 1p34.3.
Variant type: single nucleotide variant.
Coding change: c.2706C>A on transcript NM_001394062.1 (MANE Select); coding-DNA position 2706, C replaced by A.
Protein change: p.Ser902Arg; replaces serine 902 with arginine.
Molecular consequence: missense variant.
Genome position (GRCh38, 1-based): chr1:39,302,995, C>A. VCF-style: chr1-39302995-C-A. GRCh37 (hg19) VCF-style: chr1-39768667-C-A.
Other names: c.2721C>A, p.Ser907Arg (NM_012090.5); short protein forms S902R, S907R.
Identifiers: ClinVar variation 4536374 (VCV004536374.1).

ClinVar aggregate classification (germline): Uncertain significance (1 of 4 stars; one submission).

Submission:

GeneDx
Classification: Uncertain significance. Last evaluated: 2025-06-02. Review status: criteria provided, single submitter. Criteria: GeneDx Variant Classification Process June 2021. Collection method: clinical testing. Allele origin: germline. Affected: yes.
Comment: Not observed at significant frequency in large population cohorts (gnomAD); In silico analysis supports that this missense variant has a deleterious effect on protein structure/function; Has not been previously published as pathogenic or benign to our knowledge